The following is an entry in ClinVar:

NM_201384.3(PLEC):c.2875_2876delinsTT (p.Gly959Phe)

Gene: PLEC (plectin; minus strand). Cytogenetic location: 8q24.3.
Variant type: Indel.
Coding change: c.2875_2876delinsTT on transcript NM_201384.3 (MANE Select); coding-DNA positions 2875 to 2876, GG replaced by TT.
Protein change: p.Gly959Phe; replaces glycine 959 with phenylalanine.
Molecular consequence: missense variant.
Genome position (GRCh38, 1-based): chr8:143,929,693-143,929,694, CC replaced by AA on the plus strand (GG replaced by TT on the coding strand, the reverse complement: PLEC is on the minus strand). VCF-style: chr8-143929693-CC-AA. GRCh37 (hg19) VCF-style: chr8-145003861-CC-AA.
Other names: c.2956_2957delinsTT, p.Gly986Phe (NM_000445.5, NM_001410941.1); c.2833_2834delinsTT, p.Gly945Phe (NM_201378.4); c.2809_2810delinsTT, p.Gly937Phe (NM_201379.3); c.3286_3287delinsTT, p.Gly1096Phe (NM_201380.4); c.2779_2780delinsTT, p.Gly927Phe (NM_201381.3); c.2875_2876delinsTT, p.Gly959Phe (NM_201382.4); c.2887_2888delinsTT, p.Gly963Phe (NM_201383.3); short protein forms G1096F, G945F, G937F, G986F, G927F, G959F, G963F.
Identifiers: ClinVar variation 2941831 (VCV002941831.3), dbSNP rs2538511119, ClinGen allele CA2740095398.

ClinVar aggregate classification (germline): Uncertain significance (1 of 4 stars; one submission).

Conditions:
Epidermolysis bullosa simplex with nail dystrophy (EBS5D). Identifiers: MedGen C4225309, MONDO:0014661, OMIM 616487.
Epidermolysis bullosa simplex, Ogna type (EBS5A). Also called: Pidermolysis bullosa simplex 5A, Ogna type; EPIDERMOLYSIS BULLOSA SIMPLEX 5A, OGNA TYPE. Identifiers: Orphanet 79401, MedGen C0432317, MONDO:0007555, OMIM 131950.
Autosomal recessive limb-girdle muscular dystrophy type 2Q (LGMDR17). Also called: MUSCULAR DYSTROPHY, LIMB-GIRDLE, AUTOSOMAL RECESSIVE 17. Identifiers: Orphanet 254361, MedGen C3150989, MONDO:0013390, OMIM 613723.
Epidermolysis bullosa simplex 5B, with muscular dystrophy (EBS5B). Also called: EPIDERMOLYSIS BULLOSA SIMPLEX AND LIMB-GIRDLE MUSCULAR DYSTROPHY; Epidermolysis bullosa simplex with muscular dystrophy. Identifiers: Orphanet 257, MedGen C2931072, MONDO:0009181, OMIM 226670.
Epidermolysis bullosa simplex 5C, with pyloric atresia (EBS5C). Also called: PLEC-Related Epidermolysis Bullosa with Pyloric Atresia; Epidermolysis bullosa simplex with pyloric atresia; PLEC1-Related Epidermolysis Bullosa with Pyloric Atresia. Identifiers: Orphanet 158684, MedGen C2677349, MONDO:0012807, OMIM 612138.

Submission:

Labcorp Genetics (formerly Invitae), Labcorp
Classification: Uncertain significance for Autosomal recessive limb-girdle muscular dystrophy type 2Q; Epidermolysis bullosa simplex, Ogna type; Epidermolysis bullosa simplex with nail dystrophy; Epidermolysis bullosa simplex 5C, with pyloric atresia; Epidermolysis bullosa simplex 5B, with muscular dystrophy. Last evaluated: 2022-11-24. Review status: criteria provided, single submitter. Criteria: Invitae Variant Classification Sherloc (09022015). Collection method: clinical testing. Allele origin: germline.
Comment: This sequence change replaces glycine, which is neutral and non-polar, with phenylalanine, which is neutral and non-polar, at codon 986 of the PLEC protein (p.Gly986Phe). Information on the frequency of this variant in the gnomAD database is not available, as this variant may be reported differently in the database. This variant has not been reported in the literature in individuals affected with PLEC-related conditions. Experimental studies and prediction algorithms are not available or were not evaluated, and the functional significance of this variant is currently unknown. In summary, the available evidence is currently insufficient to determine the role of this variant in disease. Therefore, it has been classified as a Variant of Uncertain Significance.